The following is an entry in ClinVar:

NM_024514.5(CYP2R1):c.1198G>C (p.Val400Leu)

Genes: CYP2R1 (cytochrome P450 family 2 subfamily R member 1; minus strand), PDE3B (phosphodiesterase 3B; plus strand). Cytogenetic location: 11p15.2.
Variant type: single nucleotide variant.
Coding change: c.1198G>C on transcript NM_024514.5 (MANE Select); coding-DNA position 1198, G replaced by C.
Protein change: p.Val400Leu; replaces valine 400 with leucine.
Molecular consequence: missense variant.
Genome position (GRCh38, 1-based): chr11:14,879,246, C>G on the plus strand (G>C on the coding strand, the complement: CYP2R1 is on the minus strand). VCF-style: chr11-14879246-C-G. GRCh37 (hg19) VCF-style: chr11-14900792-C-G.
Other names: c.853G>C, p.Val285Leu (NM_001377214.1, NM_001377215.1, NM_001377216.1 and 1 more transcripts); c.1036G>C, p.Val346Leu (NM_001377217.1); short protein forms V285L, V346L, V400L.
Identifiers: ClinVar variation 1302522 (VCV001302522.2), dbSNP rs781894161, ClinGen allele CA5896538.

ClinVar aggregate classification (germline): Uncertain significance (1 of 4 stars; one submission).

Allele frequency attached by ClinVar (database versions not stated): gnomAD exomes below 0.00001; ExAC 0.00001.
gnomAD v4.1: 11 of 1,613,252 alleles (0.00068%); highest among the groups gnomAD compares: Non-Finnish European, 0.00076%; no homozygotes.

Submission:

GeneDx
Classification: Uncertain significance. Last evaluated: 2019-05-09. Review status: criteria provided, single submitter. Criteria: GeneDx Variant Classification Process June 2021. Collection method: clinical testing. Allele origin: germline. Affected: yes.
Comment: Not observed at a significant frequency in large population cohorts (Lek et al., 2016); In silico analysis, which includes protein predictors and evolutionary conservation, supports that this variant does not alter protein structure/function; Has not been previously published as pathogenic or benign to our knowledge